The following is an entry in ClinVar:

ClinVar aggregate classification (germline): Benign (0 of 4 stars; one submission).

Conditions:
TAOK2-related disorder. Also called: TAOK2-related condition.

Allele frequency attached by ClinVar (database versions not stated): ExAC 0.00155; 1000 Genomes Project 30x 0.00765; ESP Exome Variant Server 0.00600; TOPMed 0.00527; 1000 Genomes Project 0.00639.
gnomAD v4.1: 1,398 of 1,610,180 alleles (0.087%); highest among the groups gnomAD compares: African/African-American, 1.6%; 8 homozygotes.

Submission:

PreventionGenetics, part of Exact Sciences
Classification: Benign for TAOK2-related condition. Last evaluated: 2019-07-12. Review status: no assertion criteria provided. Collection method: clinical testing. Allele origin: germline.
Comment: This variant is classified as benign based on ACMG/AMP sequence variant interpretation guidelines (Richards et al. 2015 PMID: 25741868, with internal and published modifications).

NM_004783.4(TAOK2):c.2724G>A (p.Ala908=)

Gene: TAOK2 (TAO kinase 2; plus strand). Cytogenetic location: 16p11.2.
Variant type: single nucleotide variant.
Coding change: c.2724G>A on transcript NM_004783.4; coding-DNA position 2724, G replaced by A.
Protein change: p.Ala908=; no amino-acid change (alanine 908 retained).
Molecular consequence: synonymous variant.
Genome position (GRCh38, 1-based): chr16:29,991,142, G>A. VCF-style: chr16-29991142-G-A. GRCh37 (hg19) VCF-style: chr16-30002463-G-A.
Identifiers: ClinVar variation 3050116 (VCV003050116.2), dbSNP rs55768878, ClinGen allele CA7998801.